The following is an entry in ClinVar:

NM_006172.4(NPPA):c.377G>A (p.Arg126Gln)

Genes: NPPA (natriuretic peptide A; minus strand), NPPA-AS1 (NPPA antisense RNA 1; plus strand), LOC114827827 (VISTA enhancer hs2123; plus strand). Cytogenetic location: 1p36.22.
Variant type: single nucleotide variant.
Coding change: c.377G>A on transcript NM_006172.4 (MANE Select); coding-DNA position 377, G replaced by A.
Protein change: p.Arg126Gln; replaces arginine 126 with glutamine.
Molecular consequence: missense variant.
Genome position (GRCh38, 1-based): chr1:11,847,186, C>T on the plus strand (G>A on the coding strand, the complement: NPPA is on the minus strand). VCF-style: chr1-11847186-C-T. GRCh37 (hg19) VCF-style: chr1-11907243-C-T.
Other names: short protein forms R126Q.
Identifiers: ClinVar variation 872949 (VCV000872949.10), dbSNP rs1803268, ClinGen allele CA597015.
Genomic context (GRCh38, chr1:11,847,186, plus strand): 5'-CAGCCCAGTCCGCTCTGGGCTCCAATCCTGTCCATCCTGCCCCCGAAGCAGCTGGATCTC[C>T]GCAGGCTCCGAGGGGCAGTGAGCAGCGCCCTCAGCTTGCTTTTTAGGAGGGCAGATCGAT-3'
Protein context (NP_006163.1, residues 116-136): RALLTAPRSL[Arg126Gln]RSSCFGGRMD

ClinVar aggregate classification (germline): Uncertain significance. Review status: criteria provided, multiple submitters, no conflicts (2 of 4 stars). 3 submissions from 3 submitters: Uncertain significance (2). 1 of the submissions does not count toward it. Last evaluated 2025-05-15.

Conditions:
Vascular dementia. Identifiers: MedGen C0011269, MeSH D015140, MONDO:0004648.
Atrial fibrillation, familial, 6 (ATFB6). Identifiers: MedGen C2677294, MONDO:0012816, OMIM 612201.

Allele frequency attached by ClinVar (database versions not stated): TOPMed 0.00002; ExAC 0.00004; gnomAD exomes 0.00004 and 0.00008; gnomAD 0.00005; 1000 Genomes Project 30x 0.00016; 1000 Genomes Project 0.00020.

Submissions (3):

Labcorp Genetics (formerly Invitae), Labcorp
Classification: Uncertain significance for Atrial fibrillation, familial, 6. Last evaluated: 2025-05-15. Review status: criteria provided, single submitter. Criteria: Invitae Variant Classification Sherloc (09022015). Collection method: clinical testing. Allele origin: germline.
Comment: This sequence change replaces arginine, which is basic and polar, with glutamine, which is neutral and polar, at codon 126 of the NPPA protein (p.Arg126Gln). This variant is present in population databases (rs1803268, gnomAD 0.07%), and has an allele count higher than expected for a pathogenic variant. This missense change has been observed in individual(s) with NPPA-related conditions (PMID: 33268848). ClinVar contains an entry for this variant (Variation ID: 872949). An algorithm developed to predict the effect of missense changes on protein structure and function (PolyPhen-2) suggests that this variant is likely to be disruptive. In summary, the available evidence is currently insufficient to determine the role of this variant in disease. Therefore, it has been classified as a Variant of Uncertain Significance.

Breakthrough Genomics
Classification: Uncertain significance. Review status: criteria provided, single submitter. Criteria: ACMG Guidelines, 2015. Collection method: not provided. Allele origin: germline. Inheritance: Autosomal recessive inheritance. Affected: yes.

Myllykangas group, University of Helsinki
Classification: Uncertain significance for Vascular dementia. Last evaluated: 2020-04-01. Review status: no assertion criteria provided. Collection method: research. Allele origin: germline. Affected: yes. Not counted in ClinVar's aggregate classification.

Literature cited by the submitters: PubMed 33268848 (cited by Labcorp Genetics (formerly Invitae), Labcorp and Myllykangas group, University of Helsinki).